The following is an entry in ClinVar:

ClinVar aggregate classification (germline): Uncertain significance. Review status: criteria provided, multiple submitters, no conflicts (2 of 4 stars). 2 submissions from 2 submitters: Uncertain significance (2). Last evaluated 2024-08-11.

Conditions:
Hereditary cancer-predisposing syndrome. Also called: Neoplastic Syndromes, Hereditary; Hereditary Cancer Syndrome; Hereditary neoplastic syndrome; Tumor predisposition. Identifiers: Orphanet 140162, MedGen C0027672, MeSH D009386, MONDO:0015356.
Cardiovascular phenotype. Identifiers: MedGen CN230736.
Neurofibromatosis, type 1 (NF1). Also called: NEUROFIBROMATOSIS, TYPE I, SOMATIC; VON RECKLINGHAUSEN DISEASE; Neurofibromatosis, type I; Peripheral type neurofibromatosis. Identifiers: Orphanet 636, MedGen C0027831, MONDO:0018975, OMIM 162200. Disease mechanism: loss of function.

Allele frequency attached by ClinVar (database versions not stated): gnomAD exomes below 0.00001; ExAC 0.00001.
gnomAD v4.1: 2 of 1,612,836 alleles (0.00012%); highest among the groups gnomAD compares: Non-Finnish European, 0.000085%; no homozygotes.

Submissions (2):

Ambry Genetics
Classification: Uncertain significance for Cardiovascular phenotype; Hereditary cancer-predisposing syndrome. Last evaluated: 2024-08-11. Review status: criteria provided, single submitter. Criteria: Ambry Variant Classification Scheme 2023. Collection method: clinical testing. Allele origin: germline.
Comment: The p.V1006A variant (also known as c.3017T>C), located in coding exon 23 of the NF1 gene, results from a T to C substitution at nucleotide position 3017. The valine at codon 1006 is replaced by alanine, an amino acid with similar properties. This amino acid position is highly conserved in available vertebrate species. In addition, the in silico prediction for this alteration is inconclusive. Since supporting evidence is limited at this time, the clinical significance of this alteration remains unclear.

Labcorp Genetics (formerly Invitae), Labcorp
Classification: Uncertain significance for Neurofibromatosis, type 1. Last evaluated: 2024-04-29. Review status: criteria provided, single submitter. Criteria: Invitae Variant Classification Sherloc (09022015). Collection method: clinical testing. Allele origin: germline.
Comment: This sequence change replaces valine, which is neutral and non-polar, with alanine, which is neutral and non-polar, at codon 1006 of the NF1 protein (p.Val1006Ala). This variant is present in population databases (rs755636107, gnomAD 0.002%). This variant has not been reported in the literature in individuals affected with NF1-related conditions. ClinVar contains an entry for this variant (Variation ID: 645652). Advanced modeling of protein sequence and biophysical properties (such as structural, functional, and spatial information, amino acid conservation, physicochemical variation, residue mobility, and thermodynamic stability) has been performed at Invitae for this missense variant, however the output from this modeling did not meet the statistical confidence thresholds required to predict the impact of this variant on NF1 protein function. In summary, the available evidence is currently insufficient to determine the role of this variant in disease. Therefore, it has been classified as a Variant of Uncertain Significance.

NM_001042492.3(NF1):c.3017T>C (p.Val1006Ala)

Gene: NF1 (neurofibromin 1; plus strand). Cytogenetic location: 17q11.2.
Variant type: single nucleotide variant.
Coding change: c.3017T>C on transcript NM_001042492.3 (MANE Select); coding-DNA position 3017, T replaced by C.
Protein change: p.Val1006Ala; replaces valine 1006 with alanine.
Molecular consequence: missense variant.
Genome position (GRCh38, 1-based): chr17:31,230,286, T>C. VCF-style: chr17-31230286-T-C. GRCh37 (hg19) VCF-style: chr17-29557304-T-C.
Other names: c.3017T>C, p.Val1006Ala (NM_000267.4); short protein forms V1006A.
Identifiers: ClinVar variation 645652 (VCV000645652.8), dbSNP rs755636107, ClinGen allele CA8486076.